The following is an entry in ClinVar:

NM_015021.3(ZNF292):c.6103A>G (p.Asn2035Asp)

Gene: ZNF292 (zinc finger protein 292; plus strand). Cytogenetic location: 6q14.3.
Variant type: single nucleotide variant.
Coding change: c.6103A>G on transcript NM_015021.3 (MANE Select); coding-DNA position 6103, A replaced by G.
Protein change: p.Asn2035Asp; replaces asparagine 2035 with aspartic acid.
Molecular consequence: missense variant.
Genome position (GRCh38, 1-based): chr6:87,259,732, A>G. VCF-style: chr6-87259732-A-G. GRCh37 (hg19) VCF-style: chr6-87969450-A-G.
Other names: c.5683A>G, p.Asn1895Asp (NM_001351444.2); short protein forms N1895D, N2035D.
Identifiers: ClinVar variation 2509000 (VCV002509000.21), dbSNP rs772144518, ClinGen allele CA3914568.

ClinVar aggregate classification (germline): Conflicting classifications of pathogenicity. Review status: criteria provided, conflicting classifications (1 of 4 stars). 2 submissions from 2 submitters: Uncertain significance (1); Likely benign (1). Last evaluated 2024-05-01.

Conditions:
Inborn genetic diseases. Identifiers: MedGen C0950123, MeSH D030342.

Allele frequency attached by ClinVar (database versions not stated): ExAC 0.00002; gnomAD 0.00003; gnomAD exomes 0.00004; TOPMed 0.00004.
gnomAD v4.1: 60 of 1,603,918 alleles (0.0037%); highest among the groups gnomAD compares: Non-Finnish European, 0.005%; no homozygotes.

Submissions (2):

CeGaT Center for Human Genetics Tuebingen
Classification: Likely benign. Last evaluated: 2024-05-01. Review status: criteria provided, single submitter. Criteria: CeGaT Center For Human Genetics Tuebingen Variant Classification Criteria Version 2. Collection method: clinical testing. Allele origin: germline. Affected: yes. Observed: 1 variant allele.
Comment: ZNF292: BP4

Ambry Genetics
Classification: Uncertain significance for Inborn genetic diseases. Last evaluated: 2023-03-29. Review status: criteria provided, single submitter. Criteria: Ambry Variant Classification Scheme 2023. Collection method: clinical testing. Allele origin: germline.